The following is an entry in ClinVar:

ClinVar aggregate classification (germline): Uncertain significance (1 of 4 stars; one submission).

Conditions:
Hypogonadotropic hypogonadism 1 with or without anosmia (HH1). Also called: Kallmann syndrome, type 1, X-linked; DYSPLASIA OLFACTOGENITALIS OF DE MORSIER; HYPOGONADOTROPIC HYPOGONADISM 1 WITH ANOSMIA; HYPOGONADOTROPIC HYPOGONADISM AND ANOSMIA; KAL1-Related GnRH Deficiency (Kallmann Syndrome 1; Kallmann Syndrome, X-Linked); Hypogonadotropic hypogonadism 1 with or without anosmia (Kallmann syndrome 1). Identifiers: Orphanet 478, MedGen C1563719, MONDO:0010635, OMIM 308700. Disease mechanism: loss of function.

Submission:

Labcorp Genetics (formerly Invitae), Labcorp
Classification: Uncertain significance for Hypogonadotropic hypogonadism 1 with or without anosmia. Last evaluated: 2024-01-24. Review status: criteria provided, single submitter. Criteria: Invitae Variant Classification Sherloc (09022015). Collection method: clinical testing. Allele origin: unknown.
Comment: This variant results in a copy number gain of the genomic region encompassing exon(s) 1-2 of the ANOS1 gene. This region includes the initiator codon of the gene. This copy number gain extends beyond the assayed region for this gene and therefore may encompass additional genes. As the precise location of this event is unknown, it may be in tandem or it may be located elsewhere in the genome. A similar copy number variant has been observed in individual(s) with ANOS1-related conditions (PMID: 25339597). It has also been observed to segregate with disease in related individuals. Experimental studies and prediction algorithms are not available or were not evaluated, and the functional significance of this variant is currently unknown. In summary, the available evidence is currently insufficient to determine the role of this variant in disease. Therefore, it has been classified as a Variant of Uncertain Significance.

Literature cited by the submitters: PubMed 25339597.

NC_000023.10:g.(?_8667719)_(8700077_?)dup

Gene: ANOS1 (anosmin 1; minus strand). Cytogenetic location: Xp22.31.
Variant type: Duplication.
Identifiers: ClinVar variation 3244161 (VCV003244161.1).